The following is an entry in ClinVar:

NM_001122630.2(CDKN1C):c.742G>A (p.Ala248Thr)

Gene: CDKN1C (cyclin dependent kinase inhibitor 1C; minus strand). Cytogenetic location: 11p15.4.
Variant type: single nucleotide variant.
Coding change: c.742G>A on transcript NM_001122630.2 (MANE Select); coding-DNA position 742, G replaced by A.
Protein change: p.Ala248Thr; replaces alanine 248 with threonine.
Molecular consequence: missense variant. On other transcripts: intron variant (1).
Genome position (GRCh38, 1-based): chr11:2,884,715, C>T on the plus strand (G>A on the coding strand, the complement: CDKN1C is on the minus strand). VCF-style: chr11-2884715-C-T. GRCh37 (hg19) VCF-style: chr11-2905945-C-T.
Other names: c.775G>A, p.Ala259Thr (NM_000076.2, NM_001362474.2); c.742G>A, p.Ala248Thr (NM_001122631.2); c.255+487G>A (NM_001362475.2); short protein forms A259T, A248T.
Identifiers: ClinVar variation 1444839 (VCV001444839.8), dbSNP rs773881541, ClinGen allele CA379145606.
Genomic context (GRCh38, chr11:2,884,715, plus strand): 5'-CCGTGCGGGGCTCACCGGAGATCAGAGGCCCGGACAGCTTCTTGATCGCCGCGCCGTTGG[C>T]GCTGGCGGCCGCGGTGCCGGCCGCGGGACGTCCCGAAATCCCCGAGTGCAGCTGGTCAGC-3'
Protein context (NP_001116102.1, residues 238-258): RPAAGTAAAS[Ala248Thr]NGAAIKKLSG

ClinVar aggregate classification (germline): Uncertain significance (1 of 4 stars; one submission).

Conditions:
Beckwith-Wiedemann syndrome (BWS). Also called: EMG SYNDROME; Exomphalos macroglossia gigantism syndrome. Identifiers: Orphanet 116, MedGen C0004903, MONDO:0007534, OMIM 130650.

Submission:

Labcorp Genetics (formerly Invitae), Labcorp
Classification: Uncertain significance for Beckwith-Wiedemann syndrome. Last evaluated: 2021-06-04. Review status: criteria provided, single submitter. Criteria: Invitae Variant Classification Sherloc (09022015). Collection method: clinical testing. Allele origin: germline.
Comment: This variant has not been reported in the literature in individuals with CDKN1C-related conditions. In summary, the available evidence is currently insufficient to determine the role of this variant in disease. Therefore, it has been classified as a Variant of Uncertain Significance. Algorithms developed to predict the effect of missense changes on protein structure and function are either unavailable or do not agree on the potential impact of this missense change (SIFT: "Tolerated"; PolyPhen-2: "Not Available"; Align-GVGD: "Class C0"). This variant is not present in population databases (ExAC no frequency). This sequence change replaces alanine with threonine at codon 259 of the CDKN1C protein (p.Ala259Thr). The alanine residue is weakly conserved and there is a small physicochemical difference between alanine and threonine.